The following is an entry in ClinVar:

ClinVar aggregate classification (germline): Uncertain significance. Review status: criteria provided, multiple submitters, no conflicts (2 of 4 stars). 2 submissions from 2 submitters: Uncertain significance (2). Last evaluated 2026-08-18.

Conditions:
Hereditary cancer-predisposing syndrome. Also called: Tumor predisposition; Hereditary neoplastic syndrome; Neoplastic Syndromes, Hereditary; Hereditary Cancer Syndrome. Identifiers: Orphanet 140162, MedGen C0027672, MeSH D009386, MONDO:0015356.

Submissions (2):

Ambry Genetics
Classification: Uncertain significance for Hereditary cancer-predisposing syndrome. Last evaluated: 2026-08-18. Review status: criteria provided, single submitter. Criteria: Ambry Variant Classification Scheme 2023. Collection method: clinical testing. Allele origin: germline.
Comment: The p.R21L variant (also known as c.62G>T), located in coding exon 1 of the NTHL1 gene, results from a G to T substitution at nucleotide position 62. The arginine at codon 21 is replaced by leucine, an amino acid with dissimilar properties. This amino acid position is conserved. In addition, this alteration is predicted to be tolerated by in silico analysis. Based on the available evidence, the clinical significance of this variant remains unclear.

Sema4
Classification: Uncertain significance for Hereditary cancer-predisposing syndrome. Last evaluated: 2021-07-01. Review status: criteria provided, single submitter. Criteria: Sema4 Curation Guidelines. Collection method: curation. Allele origin: germline.
Comment: The NTHL1 c.62G>T (p.R21L) variant has not been reported in the literature to our knowledge. It was not observed in the large and broad cohorts of the Genome Aggregation Database (PMID: 32461654), nor has it been reported in ClinVar. In silico tools suggest the impact of the variant on protein function is benign, though these predictions have not been confirmed by functional studies. The evidence is insufficient to meet ACMG/AMP criteria for classifying the variant as benign or pathogenic. Thus, the clinical significance of this variant is currently uncertain.

NM_002528.7(NTHL1):c.38G>T (p.Arg13Leu)

Gene: NTHL1 (nth like DNA glycosylase 1; minus strand). Cytogenetic location: 16p13.3.
Variant type: single nucleotide variant.
Coding change: c.38G>T on transcript NM_002528.7 (MANE Select); coding-DNA position 38, G replaced by T.
Protein change: p.Arg13Leu; replaces arginine 13 with leucine.
Molecular consequence: missense variant. On other transcripts: 5 prime UTR variant (1).
Genome position (GRCh38, 1-based): chr16:2,047,786, C>A on the plus strand (G>T on the coding strand, the complement: NTHL1 is on the minus strand). VCF-style: chr16-2047786-C-A. GRCh37 (hg19) VCF-style: chr16-2097787-C-A.
Other names: c.38G>T, p.Arg13Leu (NM_001318193.2); c.-141G>T (NM_001318194.2); short protein forms R13L.
Identifiers: ClinVar variation 1692697 (VCV001692697.2), dbSNP rs2084526654, ClinGen allele CA394298552.